The following is an entry in ClinVar:

ClinVar aggregate classification (germline): Uncertain significance. Review status: criteria provided, multiple submitters, no conflicts (2 of 4 stars). 2 submissions from 2 submitters: Uncertain significance (2). Last evaluated 2025-11-08.

Conditions:
Meckel-Gruber syndrome. Also called: DYSENCEPHALIA SPLANCHNOCYSTICA; GRUBER SYNDROME; Dysencephalia splachnocystica. Identifiers: Orphanet 564, MedGen C0265215, MONDO:0018921.
Joubert syndrome. Also called: CEREBELLOPARENCHYMAL DISORDER IV; JOUBERT-BOLTSHAUSER SYNDROME; Familial aplasia of the vermis. Identifiers: Orphanet 475, MedGen C5979921, MONDO:0018772.
Inborn genetic diseases. Identifiers: MedGen C0950123, MeSH D030342.

Allele frequency attached by ClinVar (database versions not stated): gnomAD exomes below 0.00001; TOPMed below 0.00001.
gnomAD v4.1: 2 of 1,614,088 alleles (0.00012%); no homozygotes.

Submissions (2):

Ambry Genetics
Classification: Uncertain significance for Inborn genetic diseases. Last evaluated: 2025-11-08. Review status: criteria provided, single submitter. Criteria: Ambry Variant Classification Scheme 2023. Collection method: clinical testing. Allele origin: germline.

Labcorp Genetics (formerly Invitae), Labcorp
Classification: Uncertain significance for Joubert syndrome; Meckel-Gruber syndrome. Last evaluated: 2022-07-11. Review status: criteria provided, single submitter. Criteria: Invitae Variant Classification Sherloc (09022015). Collection method: clinical testing. Allele origin: germline.
Comment: This sequence change replaces glutamine, which is neutral and polar, with arginine, which is basic and polar, at codon 152 of the B9D1 protein (p.Gln152Arg). This variant is present in population databases (no rsID available, gnomAD no frequency). In summary, the available evidence is currently insufficient to determine the role of this variant in disease. Therefore, it has been classified as a Variant of Uncertain Significance. Algorithms developed to predict the effect of missense changes on protein structure and function (SIFT, PolyPhen-2, Align-GVGD) all suggest that this variant is likely to be tolerated. ClinVar contains an entry for this variant (Variation ID: 1507955). This variant has not been reported in the literature in individuals affected with B9D1-related conditions.

NM_015681.6(B9D1):c.455A>G (p.Gln152Arg)

Gene: B9D1 (B9 domain containing 1; minus strand). Cytogenetic location: 17p11.2.
Variant type: single nucleotide variant.
Coding change: c.455A>G on transcript NM_015681.6 (MANE Select); coding-DNA position 455, A replaced by G.
Protein change: p.Gln152Arg; replaces glutamine 152 with arginine.
Molecular consequence: missense variant. On other transcripts: intron variant (1).
Genome position (GRCh38, 1-based): chr17:19,343,807, T>C on the plus strand (A>G on the coding strand, the complement: B9D1 is on the minus strand). VCF-style: chr17-19343807-T-C. GRCh37 (hg19) VCF-style: chr17-19247120-T-C.
Other names: c.455A>G, p.Gln152Arg (NM_001321214.2, NM_001321215.3, NM_001321217.2 and 2 more transcripts); c.95A>G, p.Gln32Arg (NM_001368769.2); c.404+3462A>G (NM_001321219.2); c.455A>G (NM_015681.3); short protein forms Q32R, Q152R.
Identifiers: ClinVar variation 1507955 (VCV001507955.7), dbSNP rs1456979116, ClinGen allele CA398694739.